The following is an entry in ClinVar:

ClinVar aggregate classification (germline): Uncertain significance (1 of 4 stars; one submission).

Conditions:
Cardiovascular phenotype. Identifiers: MedGen CN230736.

gnomAD v4.1: 1 of 1,609,486 alleles (0.000062%); highest among the groups gnomAD compares: South Asian, 0.0011%; no homozygotes.

Submission:

Ambry Genetics
Classification: Uncertain significance for Cardiovascular phenotype. Last evaluated: 2025-08-22. Review status: criteria provided, single submitter. Criteria: Ambry Variant Classification Scheme 2023. Collection method: clinical testing. Allele origin: germline.
Comment: The p.S748I variant (also known as c.2243G>T), located in coding exon 14 of the CBL gene, results from a G to T substitution at nucleotide position 2243. The serine at codon 748 is replaced by isoleucine, an amino acid with dissimilar properties. This amino acid position is conserved. In addition, this alteration is predicted to be tolerated by in silico analysis. Based on the available evidence, the clinical significance of this variant remains unclear.

NM_005188.4(CBL):c.2243G>T (p.Ser748Ile)

Gene: CBL (Cbl proto-oncogene; plus strand). Cytogenetic location: 11q23.3.
Variant type: single nucleotide variant.
Coding change: c.2243G>T on transcript NM_005188.4 (MANE Select); coding-DNA position 2243, G replaced by T.
Protein change: p.Ser748Ile; replaces serine 748 with isoleucine.
Molecular consequence: missense variant.
Genome position (GRCh38, 1-based): chr11:119,297,473, G>T. VCF-style: chr11-119297473-G-T. GRCh37 (hg19) VCF-style: chr11-119168183-G-T.
Other names: short protein forms S748I.
Identifiers: ClinVar variation 4219909 (VCV004219909.1).
Genomic context (GRCh38, chr11:119,297,473, plus strand): 5'-GCTGTACGTATGAAGCAATGTATAATATTCAGTCCCAGGCGCCATCTATCACCGAGAGCA[G>T]CACCTTTGGTAAGTTGCCATTCTGCTACTTTAAAAATCATTGATATGTCATAGGAATGAA-3'
Protein context (NP_005179.2, residues 738-758): QSQAPSITES[Ser748Ile]TFGEGNLAAA